The following is an entry in ClinVar:

NM_000780.4(CYP7A1):c.*9C>G

Gene: CYP7A1 (cytochrome P450 family 7 subfamily A member 1; minus strand). Cytogenetic location: 8q12.1.
Variant type: single nucleotide variant.
Coding change: c.*9C>G on transcript NM_000780.4 (MANE Select); 9 bases downstream of the stop codon, C replaced by G.
Molecular consequence: 3 prime UTR variant.
Genome position (GRCh38, 1-based): chr8:58,491,466, G>C on the plus strand (C>G on the coding strand, the complement: CYP7A1 is on the minus strand). VCF-style: chr8-58491466-G-C. GRCh37 (hg19) VCF-style: chr8-59404025-G-C.
Identifiers: ClinVar variation 3351854 (VCV003351854.1).
Genomic context (GRCh38, chr8:58,491,466, plus strand): 5'-GGACTGTGTGGTGAGGGTGTTCTGCAGTCCTGTAATATCATCTAGTGTCCTCTTATTCCA[G>C]CCATGTATTCACAAATGCTTGAATTTATATTTAAATTCAATATCATTCAATGGCGGCAAA-3'

ClinVar aggregate classification (germline): Likely benign (0 of 4 stars; one submission).

Conditions:
CYP7A1-related disorder. Also called: CYP7A1-related condition.

gnomAD v4.1: 1 of 1,612,488 alleles (0.000062%); highest among the groups gnomAD compares: Admixed American, 0.0017%; no homozygotes.

Submission:

PreventionGenetics, part of Exact Sciences
Classification: Likely benign for CYP7A1-related condition. Last evaluated: 2024-05-10. Review status: no assertion criteria provided. Collection method: clinical testing. Allele origin: germline.
Comment: This variant is classified as likely benign based on ACMG/AMP sequence variant interpretation guidelines (Richards et al. 2015 PMID: 25741868, with internal and published modifications).